The following is an entry in ClinVar:

ClinVar aggregate classification (germline): Conflicting classifications of pathogenicity. Review status: criteria provided, conflicting classifications (1 of 4 stars). 7 submissions from 6 submitters: Uncertain significance (3); Benign (1); Likely benign (3). Last evaluated 2026-05-13.

Conditions:
Cardiovascular phenotype. Identifiers: MedGen CN230736.
Hereditary cancer-predisposing syndrome. Also called: Hereditary Cancer Syndrome; Neoplastic Syndromes, Hereditary; Tumor predisposition; Hereditary neoplastic syndrome. Identifiers: Orphanet 140162, MedGen C0027672, MeSH D009386, MONDO:0015356.
Neurofibromatosis, type 1 (NF1). Also called: Peripheral type neurofibromatosis; Neurofibromatosis, type I; VON RECKLINGHAUSEN DISEASE; NEUROFIBROMATOSIS, TYPE I, SOMATIC. Identifiers: Orphanet 636, MedGen C0027831, MONDO:0018975, OMIM 162200. Disease mechanism: loss of function.

Allele frequency attached by ClinVar (database versions not stated): ExAC 0.00003; gnomAD exomes 0.00001 and 0.00004; gnomAD 0.00003 and 0.00004; ESP Exome Variant Server 0.00008; TOPMed 0.00006.
gnomAD v4.1: 18 of 1,608,462 alleles (0.0011%); highest among the groups gnomAD compares: African/African-American, 0.021%; no homozygotes.

Submissions (7):

Myriad Genetics, Inc.
Classification: Likely benign for Neurofibromatosis, type 1. Last evaluated: 2026-05-13. Review status: criteria provided, single submitter. Criteria: Myriad Autosomal Dominant, Autosomal Recessive and X-Linked Classification Criteria (2023). Collection method: clinical testing. Allele origin: unknown.
Comment: This variant is considered likely benign. This variant has been observed at a population frequency that is significantly greater than expected given the associated disease prevalence and penetrance.

Labcorp Genetics (formerly Invitae), Labcorp
Classification: Likely benign for Neurofibromatosis, type 1. Last evaluated: 2026-01-28. Review status: criteria provided, single submitter. Criteria: Invitae Variant Classification Sherloc (09022015). Collection method: clinical testing. Allele origin: germline.

Ambry Genetics
Classification: Benign for Cardiovascular phenotype; Hereditary cancer-predisposing syndrome. Last evaluated: 2023-01-11. Review status: criteria provided, single submitter. Criteria: Ambry Variant Classification Scheme 2023. Collection method: clinical testing. Allele origin: germline.

Sema4
Classification: Uncertain significance for Hereditary cancer-predisposing syndrome. Last evaluated: 2022-02-16. Review status: criteria provided, single submitter. Criteria: Sema4 Curation Guidelines. Collection method: curation. Allele origin: germline.
Comment: The NF1 c.5194G>A (p.V1732I) variant has been reported in heterozygosity in at least one individual with breast cancer (PMID: 29684080). It was observed in 10/24782 chromosomes of the African/African American subpopulation, with no homozygotes, in the large and broad cohorts of the Genome Aggregation Database (PMID: 32461654). The variant has been reported in ClinVar (Variation ID 141594). Functional studies have not been performed, and in silico predictions of the variant's effect on protein function are inconclusive. The evidence is insufficient to meet ACMG/AMP criteria for classifying the variant as benign or pathogenic. Thus, the clinical significance of this variant is currently uncertain.

GeneDx
Classification: Likely benign. Last evaluated: 2020-10-08. Review status: criteria provided, single submitter. Criteria: GeneDx Variant Classification Process June 2021. Collection method: clinical testing. Allele origin: germline. Affected: yes.
Comment: This variant is associated with the following publications: (PMID: 29360550)

ARUP Laboratories, Molecular Genetics and Genomics, ARUP Laboratories
Classification: Uncertain significance. Last evaluated: 2020-03-12. Review status: criteria provided, single submitter. Criteria: ARUP Molecular Germline Variant Investigation Process. Collection method: clinical testing. Allele origin: germline.
Comment: The NF1 c.5257G>A; p.Val1753Ile variant (rs148540952), also known as c.5194G>A; p.Val1732Ile for NM_000267, is reported in the ClinVar database (Variation ID: 141594). This variant is found in the African population with an allele frequency of 0.04% (10/24782 alleles) in the Genome Aggregation Database. The valine at codon 1753 is highly conserved, but computational analyses (SIFT: Tolerated, PolyPhen-2: Possibly Damaging) predict conflicting effects of this variant on protein structure/function. Due to limited information, the clinical significance of this variant is uncertain at this time.

Ambry Genetics
Classification: Uncertain significance for Hereditary cancer-predisposing syndrome. Last evaluated: 2015-11-23. Review status: criteria provided, single submitter. Criteria: Ambry Autosomal Dominant and X-Linked criteria (10/2015). Collection method: clinical testing. Allele origin: germline. Observed: 1 variant allele.
Comment: The p.V1753I variant (also known as c.5257G>A), located in coding exon 37 of the NF1 gene, results from a G to A substitution at nucleotide position 5257. The valine at codon 1753 is replaced by isoleucine, an amino acid with highly similar properties. This variant was previously reported in the SNPDatabase as rs148540952. Based on data from the NHLBI Exome Sequencing Project (ESP), the A allele has an overall frequency of approximately 0.01% (1/13006) total alleles studied, having been observed in 0.02% (1/4406) African American alleles. To date, this alteration has been detected with an allele frequency of approximately 0.002% (greater than110000alleles tested) in our clinical cohort.This amino acid position is completely conserved on sequence alignment. In addition, this alteration is predicted to be tolerated by in silico analysis.Since supporting evidence is limited at this time, the clinical significance of p.V1753I remains unclear.

Literature cited by the submitters: PubMed 29684080 (cited by Sema4).

NM_001042492.3(NF1):c.5257G>A (p.Val1753Ile)

Gene: NF1 (neurofibromin 1; plus strand). Cytogenetic location: 17q11.2.
Variant type: single nucleotide variant.
Coding change: c.5257G>A on transcript NM_001042492.3 (MANE Select); coding-DNA position 5257, G replaced by A.
Protein change: p.Val1753Ile; replaces valine 1753 with isoleucine.
Molecular consequence: missense variant.
Genome position (GRCh38, 1-based): chr17:31,326,241, G>A. VCF-style: chr17-31326241-G-A. GRCh37 (hg19) VCF-style: chr17-29653259-G-A.
Other names: c.5194G>A, p.Val1732Ile (NM_000267.4); short protein forms V1732I, V1753I.
Identifiers: ClinVar variation 141594 (VCV000141594.26), dbSNP rs148540952, ClinGen allele CA165887.